The following is an entry in ClinVar:

ClinVar aggregate classification (germline): Likely pathogenic (1 of 4 stars; one submission).

Conditions:
DICER1-related tumor predisposition. Also called: DICER1 syndrome; DICER1-related pleuropulmonary blastoma cancer predisposition syndrome. Identifiers: Orphanet 284343, MedGen C3839822, MONDO:0100216.

Submission:

Myriad Genetics, Inc.
Classification: Likely pathogenic for DICER1-related tumor predisposition. Last evaluated: 2026-06-26. Review status: criteria provided, single submitter. Criteria: Myriad Autosomal Dominant, Autosomal Recessive and X-Linked Classification Criteria (2023). Collection method: clinical testing. Allele origin: unknown.
Comment: This variant is considered likely pathogenic. This variant occurs within a consensus splice junction and is predicted to result in abnormal mRNA splicing of either an out-of-frame exon or an in-frame exon necessary for protein stability and/or normal function.

NM_177438.3(DICER1):c.5365-1G>C

Gene: DICER1 (dicer 1, ribonuclease III; minus strand). Cytogenetic location: 14q32.13.
Variant type: single nucleotide variant.
Coding change: c.5365-1G>C on transcript NM_177438.3 (MANE Select); the canonical splice acceptor site of the intron before coding-DNA position 5365, G replaced by C.
Molecular consequence: splice acceptor variant. On other transcripts: intron variant (1).
Genome position (GRCh38, 1-based): chr14:95,091,366, C>G on the plus strand (G>C on the coding strand, the complement: DICER1 is on the minus strand). VCF-style: chr14-95091366-C-G. GRCh37 (hg19) VCF-style: chr14-95557703-C-G.
Other names: c.5365-1G>C (NM_001291628.2, NM_030621.4, NM_001395677.1 and 7 more transcripts); c.4960-1G>C (NM_001395690.1, NM_001395687.1, NM_001395689.1 and 1 more transcripts); c.5083-1G>C (NM_001395686.1); c.4798-1G>C (NM_001395691.1); c.3682-1G>C (NM_001395697.1); c.5365-257G>C (NM_001195573.1).
Identifiers: ClinVar variation 4876101 (VCV004876101.1).